The following is an entry in ClinVar:

NM_031407.7(HUWE1):c.11057T>C (p.Met3686Thr)

Gene: HUWE1 (HECT, UBA and WWE domain containing E3 ubiquitin protein ligase 1; minus strand). Cytogenetic location: Xp11.22.
Variant type: single nucleotide variant.
Coding change: c.11057T>C on transcript NM_031407.7 (MANE Select); coding-DNA position 11057, T replaced by C.
Protein change: p.Met3686Thr; replaces methionine 3686 with threonine.
Molecular consequence: missense variant.
Genome position (GRCh38, 1-based): chrX:53,544,754, A>G on the plus strand (T>C on the coding strand, the complement: HUWE1 is on the minus strand). VCF-style: chrX-53544754-A-G. GRCh37 (hg19) VCF-style: chrX-53571715-A-G.
Other names: short protein forms M3686T.
Identifiers: ClinVar variation 1302341 (VCV001302341.2), dbSNP rs2147136719, ClinGen allele CA413167147.

ClinVar aggregate classification (germline): Uncertain significance (1 of 4 stars; one submission).

Submission:

GeneDx
Classification: Uncertain significance. Last evaluated: 2020-06-29. Review status: criteria provided, single submitter. Criteria: GeneDx Variant Classification Process June 2021. Collection method: clinical testing. Allele origin: germline. Affected: yes.
Comment: Not observed in large population cohorts (Lek et al., 2016); In silico analysis supports that this missense variant does not alter protein structure/function; Has not been previously published as pathogenic or benign to our knowledge